The following is an entry in ClinVar:

NM_004364.5(CEBPA):c.532C>T (p.Leu178Phe)

Gene: CEBPA (CCAAT enhancer binding protein alpha; minus strand). Cytogenetic location: 19q13.11.
Variant type: single nucleotide variant.
Coding change: c.532C>T on transcript NM_004364.5 (MANE Select); coding-DNA position 532, C replaced by T.
Protein change: p.Leu178Phe; replaces leucine 178 with phenylalanine.
Molecular consequence: missense variant.
Genome position (GRCh38, 1-based): chr19:33,301,883, G>A on the plus strand (C>T on the coding strand, the complement: CEBPA is on the minus strand). VCF-style: chr19-33301883-G-A. GRCh37 (hg19) VCF-style: chr19-33792789-G-A.
Other names: c.175C>T, p.Leu59Phe (NM_001285829.2); c.637C>T, p.Leu213Phe (NM_001287424.2); c.490C>T, p.Leu164Phe (NM_001287435.2); c.532C>T (NM_004364.3); short protein forms L59F, L178F, L213F, L164F.
Identifiers: ClinVar variation 1038418 (VCV001038418.9), dbSNP rs1325138029, ClinGen allele CA405274750.

ClinVar aggregate classification (germline): Conflicting classifications of pathogenicity. Review status: criteria provided, conflicting classifications (1 of 4 stars). 3 submissions from 3 submitters: Uncertain significance (2); Likely benign (1). Last evaluated 2025-01-16.

Conditions:
Inborn genetic diseases. Identifiers: MedGen C0950123, MeSH D030342.
Acute myeloid leukemia (AML). Also called: Acute myeloid leukemia, adult; AML adult; Acute non-lymphocytic leukemia; Acute granulocytic leukemia; Leukemia, acute myelogenous, somatic; Leukemia, acute myeloid, somatic. Identifiers: Orphanet 519, MedGen C0023467, MeSH D015470, MONDO:0018874, OMIM 601626, HP:0004808. Disease mechanism: Constitutively activated FLT3.

gnomAD v4.1: 4 of 1,330,754 alleles (0.0003%); highest among the groups gnomAD compares: South Asian, 0.0053%; no homozygotes.

Submissions (3):

Ambry Genetics
Classification: Likely benign for Inborn genetic diseases. Last evaluated: 2025-01-16. Review status: criteria provided, single submitter. Criteria: Ambry Variant Classification Scheme 2023. Collection method: clinical testing. Allele origin: germline.

Baylor Genetics
Classification: Uncertain significance for Acute myeloid leukemia. Last evaluated: 2024-02-16. Review status: criteria provided, single submitter. Criteria: ACMG Guidelines, 2015. Collection method: clinical testing. Allele origin: unknown.

Labcorp Genetics (formerly Invitae), Labcorp
Classification: Uncertain significance for Acute myeloid leukemia. Last evaluated: 2023-10-10. Review status: criteria provided, single submitter. Criteria: Invitae Variant Classification Sherloc (09022015). Collection method: clinical testing. Allele origin: germline.
Comment: This sequence change replaces leucine, which is neutral and non-polar, with phenylalanine, which is neutral and non-polar, at codon 178 of the CEBPA protein (p.Leu178Phe). This variant is not present in population databases (gnomAD no frequency). This variant has not been reported in the literature in individuals affected with CEBPA-related conditions. ClinVar contains an entry for this variant (Variation ID: 1038418). Advanced modeling of protein sequence and biophysical properties (such as structural, functional, and spatial information, amino acid conservation, physicochemical variation, residue mobility, and thermodynamic stability) performed at Invitae indicates that this missense variant is not expected to disrupt CEBPA protein function. In summary, the available evidence is currently insufficient to determine the role of this variant in disease. Therefore, it has been classified as a Variant of Uncertain Significance.